The following is an entry in ClinVar:

NM_031857.2(PCDHA9):c.816C>T (p.Gly272=)

Genes: PCDHA1 (protocadherin alpha 1; plus strand), PCDHA2 (protocadherin alpha 2; plus strand), PCDHA3 (protocadherin alpha 3; plus strand), PCDHA4 (protocadherin alpha 4; plus strand), PCDHA5 (protocadherin alpha 5; plus strand) and 5 more. Cytogenetic location: 5q31.3.
Variant type: single nucleotide variant.
Coding change: c.816C>T on transcript NM_031857.2 (MANE Select); coding-DNA position 816, C replaced by T.
Protein change: p.Gly272=; no amino-acid change (glycine 272 retained).
Molecular consequence: synonymous variant. On other transcripts: intron variant (10).
Genome position (GRCh38, 1-based): chr5:140,849,311, C>T. VCF-style: chr5-140849311-C-T. GRCh37 (hg19) VCF-style: chr5-140228896-C-T.
Other names: c.816C>T, p.Gly272= (NM_014005.5); c.2394+60627C>T (NM_018900.4); c.1602+61419C>T (NM_031411.3); c.2388+51959C>T (NM_018905.3); c.2394+45720C>T (NM_018906.3); c.2385+39739C>T (NM_018907.4); c.2352+25184C>T (NM_018908.3); c.2394+18826C>T (NM_018909.4); and 3 more.
Identifiers: ClinVar variation 3052430 (VCV003052430.3), dbSNP rs375475284, ClinGen allele CA3450281.
Genomic context (GRCh38, chr5:140,849,311, plus strand): 5'-AGAAAACGTTTCTATCGGAACGCTGGTGATTCACCCCAATGCCTCAGATTTAGACGAAGG[C>T]TTGAATGGGGATATTATTTACTCCTTCTCCAGTGATGTTTCTCCAGATATAAAATCCAAG-3'
Protein context (NP_114063.1, residues 262-282): IHPNASDLDE[Gly272=]LNGDIIYSFS

ClinVar aggregate classification (germline): Likely benign. Review status: criteria provided, single submitter (1 of 4 stars). 2 submissions from 2 submitters: Likely benign (1). 1 of the submissions does not count toward it.

Conditions:
PCDHA9-related disorder. Also called: PCDHA9-related condition.

Allele frequency attached by ClinVar (database versions not stated): gnomAD exomes 0.00018; 1000 Genomes Project 30x 0.00187; gnomAD 0.00188.
gnomAD v4.1: 446 of 1,312,408 alleles (0.034%); highest among the groups gnomAD compares: African/African-American, 0.68%; 16 homozygotes.

Submissions (2):

Breakthrough Genomics
Classification: Likely benign. Review status: criteria provided, single submitter. Criteria: ACMG Guidelines, 2015. Collection method: not provided. Allele origin: germline. Inheritance: Unknown mechanism. Affected: yes.

PreventionGenetics, part of Exact Sciences
Classification: Likely benign for PCDHA9-related condition. Last evaluated: 2020-09-30. Review status: no assertion criteria provided. Collection method: clinical testing. Allele origin: germline. Not counted in ClinVar's aggregate classification.
Comment: This variant is classified as likely benign based on ACMG/AMP sequence variant interpretation guidelines (Richards et al. 2015 PMID: 25741868, with internal and published modifications).